The following is an entry in ClinVar:

NM_015346.4(ZFYVE26):c.5722G>T (p.Val1908Leu)

Gene: ZFYVE26 (zinc finger FYVE-type containing 26; minus strand). Cytogenetic location: 14q24.1.
Variant type: single nucleotide variant.
Coding change: c.5722G>T on transcript NM_015346.4 (MANE Select); coding-DNA position 5722, G replaced by T.
Protein change: p.Val1908Leu; replaces valine 1908 with leucine.
Molecular consequence: missense variant.
Genome position (GRCh38, 1-based): chr14:67,767,772, C>A on the plus strand (G>T on the coding strand, the complement: ZFYVE26 is on the minus strand). VCF-style: chr14-67767772-C-A. GRCh37 (hg19) VCF-style: chr14-68234489-C-A.
Other names: short protein forms V1908L.
Identifiers: ClinVar variation 2109679 (VCV002109679.4), dbSNP rs2039096673, ClinGen allele CA390166438.

ClinVar aggregate classification (germline): Uncertain significance (1 of 4 stars; one submission).

Conditions:
Spastic paraplegia. Identifiers: MedGen C0037772, HP:0001258.

Submission:

Labcorp Genetics (formerly Invitae), Labcorp
Classification: Uncertain significance for Spastic paraplegia. Last evaluated: 2022-06-13. Review status: criteria provided, single submitter. Criteria: Invitae Variant Classification Sherloc (09022015). Collection method: clinical testing. Allele origin: germline.
Comment: This sequence change replaces valine, which is neutral and non-polar, with leucine, which is neutral and non-polar, at codon 1908 of the ZFYVE26 protein (p.Val1908Leu). This variant is not present in population databases (gnomAD no frequency). This variant has not been reported in the literature in individuals affected with ZFYVE26-related conditions. Algorithms developed to predict the effect of missense changes on protein structure and function output the following: SIFT: "Tolerated"; PolyPhen-2: "Benign"; Align-GVGD: "Class C0". The leucine amino acid residue is found in multiple mammalian species, which suggests that this missense change does not adversely affect protein function. In summary, the available evidence is currently insufficient to determine the role of this variant in disease. Therefore, it has been classified as a Variant of Uncertain Significance.